The following is an entry in ClinVar:

ClinVar aggregate classification (germline): Conflicting classifications of pathogenicity. Review status: criteria provided, conflicting classifications (1 of 4 stars). 3 submissions from 3 submitters: Pathogenic (1); Likely pathogenic (1); Uncertain significance (1). Last evaluated 2026-03-20.

Conditions:
Aortic valve disease 2 (AOVD2). Identifiers: MedGen C3542024, MONDO:0013902, OMIM 614823.

Submissions (3):

GeneDx
Classification: Pathogenic. Last evaluated: 2026-03-20. Review status: criteria provided, single submitter. Criteria: GeneDx Variant Classification Process June 2021. Collection method: clinical testing. Allele origin: germline.
Comment: Frameshift variant predicted to result in protein truncation or nonsense mediated decay in a gene for which loss of function is a known mechanism of disease; Not observed at significant frequency in large population cohorts (gnomAD); Has not been previously published as pathogenic or benign to our knowledge

Mayo Clinic Laboratories, Mayo Clinic
Classification: Likely pathogenic. Last evaluated: 2024-07-22. Review status: criteria provided, single submitter. Criteria: ACMG Guidelines, 2015. Collection method: clinical testing. Allele origin: germline. Observed: 1 variant allele.
Comment: PM2, PVS1

Labcorp Genetics (formerly Invitae), Labcorp
Classification: Uncertain significance for Aortic valve disease 2. Last evaluated: 2022-06-27. Review status: criteria provided, single submitter. Criteria: Invitae Variant Classification Sherloc (09022015). Collection method: clinical testing. Allele origin: germline.
Comment: This variant is not present in population databases (gnomAD no frequency). This sequence change creates a premature translational stop signal (p.Arg84Profs*43) in the SMAD6 gene. It is expected to result in an absent or disrupted protein product. However, the current clinical and genetic evidence is not sufficient to establish whether loss-of-function variants in SMAD6 cause disease. In summary, the available evidence is currently insufficient to determine the role of this variant in disease. Therefore, it has been classified as a Variant of Uncertain Significance. This variant has not been reported in the literature in individuals affected with SMAD6-related conditions.

Literature cited by the submitters: PubMed 10655064 (cited by Mayo Clinic Laboratories, Mayo Clinic); PubMed 32499606 (cited by Mayo Clinic Laboratories, Mayo Clinic); PubMed 36414630 (cited by Mayo Clinic Laboratories, Mayo Clinic).

NM_005585.5(SMAD6):c.232_250dup (p.Arg84fs)

Gene: SMAD6 (SMAD family member 6; plus strand). Cytogenetic location: 15q22.31.
Variant type: Duplication.
Coding change: c.232_250dup on transcript NM_005585.5 (MANE Select); coding-DNA positions 232 to 250, 19 bases duplicated (CAGGGCGCGGGGAGGCGCC).
Protein change: p.Arg84fs; shifts the reading frame from arginine 84.
Molecular consequence: frameshift variant. On other transcripts: non-coding transcript variant (1).
Genome position (GRCh38, 1-based): chr15:66,703,490-66,703,508, CAGGGCGCGGGGAGGCGCC duplicated; duplicating any 19 consecutive bases within chr15:66,703,482-66,703,508 gives the same sequence; the c. name uses the placement nearest the transcript's 3' end. VCF-style (leftmost placement, unchanged base first): chr15-66703481-C-CGAGGCGCCCAGGGCGCGGG. GRCh37 (hg19) VCF-style: chr15-66995819-C-CGAGGCGCCCAGGGCGCGGG.
Other names: p.Arg84Profs*43; c.232_250dup (NM_005585.4); short protein forms R84fs.
Identifiers: ClinVar variation 1422096 (VCV001422096.8), dbSNP rs965061234, ClinGen allele CA970942005.
Genomic context (GRCh38, chr15:66,703,481, plus strand): 5'-TGCGGCCGCTCCGAAGTCCGCCCGGTAGCCCCGCGGCGGCCCCGGGACGCAGTGGGACAG[C>CGAGGCGCCCAGGGCGCGGG]GAGGCGCCCAGGGCGCGGGGAGGCGCCGGCGCGCAGGGGGCCCCCCGAGGCCCATGTCGG-3'